The following is an entry in ClinVar:

ClinVar aggregate classification (germline): Conflicting classifications of pathogenicity. Review status: criteria provided, conflicting classifications (1 of 4 stars). 4 submissions from 4 submitters: Uncertain significance (2); Benign (1); Likely benign (1). Last evaluated 2025-10-27.

Conditions:
Dilated cardiomyopathy 1AA (CMD1AA). Also called: CARDIOMYOPATHY, FAMILIAL HYPERTROPHIC, 23, WITH OR WITHOUT LEFT VENTRICULAR NONCOMPACTION; Cardiomyopathy, dilated, 1AA, with or without LVNC; CARDIOMYOPATHY, DILATED, 1AA, WITH OR WITHOUT LEFT VENTRICULAR NONCOMPACTION. Identifiers: Orphanet 154, MedGen C2677338, MONDO:0012808, OMIM 612158.
Primary familial hypertrophic cardiomyopathy (HCM). Identifiers: Orphanet 99739, MedGen C0949658, MeSH D024741, MONDO:0024573. Inheritance: Various modes of inheritance.
Cardiovascular phenotype. Identifiers: MedGen CN230736.

Allele frequency attached by ClinVar (database versions not stated): gnomAD exomes below 0.00001; ExAC 0.00001; gnomAD 0.00001; TOPMed 0.00001; ESP Exome Variant Server 0.00008.
gnomAD v4.1: 1 of 1,613,892 alleles (0.000062%); highest among the groups gnomAD compares: African/African-American, 0.0013%; no homozygotes.

Submissions (4):

Ambry Genetics
Classification: Likely benign for Cardiovascular phenotype. Last evaluated: 2025-10-27. Review status: criteria provided, single submitter. Criteria: Ambry Variant Classification Scheme 2023. Collection method: clinical testing. Allele origin: germline.

Women's Health and Genetics/Laboratory Corporation of America, LabCorp
Classification: Uncertain significance. Last evaluated: 2025-07-09. Review status: criteria provided, single submitter. Criteria: LabCorp Variant Classification Summary - May 2015. Collection method: clinical testing. Allele origin: germline.

Labcorp Genetics (formerly Invitae), Labcorp
Classification: Benign for Primary familial hypertrophic cardiomyopathy; Dilated cardiomyopathy 1AA. Last evaluated: 2024-08-24. Review status: criteria provided, single submitter. Criteria: Invitae Variant Classification Sherloc (09022015). Collection method: clinical testing. Allele origin: germline.

GeneDx
Classification: Uncertain significance. Last evaluated: 2024-03-06. Review status: criteria provided, single submitter. Criteria: GeneDx Variant Classification Process June 2021. Collection method: clinical testing. Allele origin: germline. Affected: yes.
Comment: Not observed at significant frequency in large population cohorts (gnomAD); In silico analysis supports that this missense variant does not alter protein structure/function; Has not been previously published as pathogenic or benign to our knowledge

NM_001103.4(ACTN2):c.1804G>A (p.Val602Ile)

Gene: ACTN2 (actinin alpha 2; plus strand). Cytogenetic location: 1q43.
Variant type: single nucleotide variant.
Coding change: c.1804G>A on transcript NM_001103.4 (MANE Select); coding-DNA position 1804, G replaced by A.
Protein change: p.Val602Ile; replaces valine 602 with isoleucine.
Molecular consequence: missense variant.
Genome position (GRCh38, 1-based): chr1:236,751,617, G>A. VCF-style: chr1-236751617-G-A. GRCh37 (hg19) VCF-style: chr1-236914917-G-A.
Other names: c.1804G>A, p.Val602Ile (NM_001278343.2); c.1180G>A, p.Val394Ile (NM_001278344.2); short protein forms V394I, V602I.
Identifiers: ClinVar variation 1037823 (VCV001037823.15), dbSNP rs377356540, ClinGen allele CA1473255.